The following is an entry in ClinVar:

NM_017763.6(RNF43):c.1117G>A (p.Gly373Ser)

Gene: RNF43 (ring finger protein 43; minus strand). Cytogenetic location: 17q22.
Variant type: single nucleotide variant.
Coding change: c.1117G>A on transcript NM_017763.6 (MANE Select); coding-DNA position 1117, G replaced by A.
Protein change: p.Gly373Ser; replaces glycine 373 with serine.
Molecular consequence: missense variant.
Genome position (GRCh38, 1-based): chr17:58,358,659, C>T on the plus strand (G>A on the coding strand, the complement: RNF43 is on the minus strand). VCF-style: chr17-58358659-C-T. GRCh37 (hg19) VCF-style: chr17-56436020-C-T.
Other names: c.1117G>A, p.Gly373Ser (NM_001305544.3, NM_001438820.1, NM_001438821.1 and 1 more transcripts); c.736G>A, p.Gly246Ser (NM_001305545.2, NM_001437987.1); short protein forms G373S, G246S.
Identifiers: ClinVar variation 4578998 (VCV004578998.1).

ClinVar aggregate classification (germline): Uncertain significance (1 of 4 stars; one submission).

Submission:

Ambry Genetics
Classification: Uncertain significance. Last evaluated: 2025-11-13. Review status: criteria provided, single submitter. Criteria: Ambry Variant Classification Scheme 2023. Collection method: clinical testing. Allele origin: germline.
Comment: The p.G373S variant (also known as c.1117G>A), located in coding exon 8 of the RNF43 gene, results from a G to A substitution at nucleotide position 1117. The glycine at codon 373 is replaced by serine, an amino acid with similar properties. This amino acid position is conserved. In addition, this alteration is predicted to be tolerated by in silico analysis. Based on the available evidence, the clinical significance of this variant remains unclear.